The following is an entry in ClinVar:

ClinVar aggregate classification (germline): Uncertain significance. Review status: criteria provided, single submitter (1 of 4 stars). 2 submissions from 2 submitters: Uncertain significance (1). 1 of the submissions does not count toward it. Last evaluated 2021-09-01.

Conditions:
Joubert syndrome. Also called: Familial aplasia of the vermis; CEREBELLOPARENCHYMAL DISORDER IV; JOUBERT-BOLTSHAUSER SYNDROME. Identifiers: Orphanet 475, MedGen C5979921, MONDO:0018772.
Meckel-Gruber syndrome. Also called: Dysencephalia splachnocystica; DYSENCEPHALIA SPLANCHNOCYSTICA; GRUBER SYNDROME. Identifiers: Orphanet 564, MedGen C0265215, MONDO:0018921.
Nephronophthisis. Also called: Juvenile Nephronophthisis. Identifiers: Orphanet 655, MedGen C0687120, MONDO:0019005, HP:0000090.
Leber congenital amaurosis (LCA). Also called: Leber's amaurosis. Identifiers: Orphanet 65, MedGen C0339527, MeSH D057130, MONDO:0018998.

gnomAD v4.1: 2 of 1,239,382 alleles (0.00016%); highest among the groups gnomAD compares: Non-Finnish European, 0.00011%; no homozygotes.

Submissions (2):

Labcorp Genetics (formerly Invitae), Labcorp
Classification: Uncertain significance for Joubert syndrome; Meckel-Gruber syndrome; Nephronophthisis. Last evaluated: 2021-09-01. Review status: criteria provided, single submitter. Criteria: Invitae Variant Classification Sherloc (09022015). Collection method: clinical testing. Allele origin: germline.
Comment: This sequence change replaces threonine with isoleucine at codon 1789 of the CEP290 protein (p.Thr1789Ile). The threonine residue is weakly conserved and there is a moderate physicochemical difference between threonine and isoleucine. This variant is not present in population databases (ExAC no frequency). This variant has not been reported in the literature in individuals affected with CEP290-related conditions. Algorithms developed to predict the effect of missense changes on protein structure and function output the following: SIFT: "Tolerated"; PolyPhen-2: "Benign"; Align-GVGD: "Class C0". The isoleucine amino acid residue is found in multiple mammalian species, which suggests that this missense change does not adversely affect protein function. In summary, the available evidence is currently insufficient to determine the role of this variant in disease. Therefore, it has been classified as a Variant of Uncertain Significance.

Natera, Inc.
Classification: Uncertain significance for Leber congenital amaurosis. Last evaluated: 2021-09-08. Review status: no assertion criteria provided. Collection method: clinical testing. Allele origin: germline. Not counted in ClinVar's aggregate classification.

NM_025114.4(CEP290):c.5366C>T (p.Thr1789Ile)

Gene: CEP290 (centrosomal protein 290; minus strand). Cytogenetic location: 12q21.32.
Variant type: single nucleotide variant.
Coding change: c.5366C>T on transcript NM_025114.4 (MANE Select); coding-DNA position 5366, C replaced by T.
Protein change: p.Thr1789Ile; replaces threonine 1789 with isoleucine.
Molecular consequence: missense variant.
Genome position (GRCh38, 1-based): chr12:88,077,917, G>A on the plus strand (C>T on the coding strand, the complement: CEP290 is on the minus strand). VCF-style: chr12-88077917-G-A. GRCh37 (hg19) VCF-style: chr12-88471694-G-A.
Other names: short protein forms T1789I.
Identifiers: ClinVar variation 1017694 (VCV001017694.9), dbSNP rs2035901966, ClinGen allele CA385989452.